The following is an entry in ClinVar:

ClinVar aggregate classification (germline): Benign/Likely benign. Review status: criteria provided, multiple submitters, no conflicts (2 of 4 stars). 4 submissions from 4 submitters: Benign (1); Likely benign (2). 1 of the submissions does not count toward it. Last evaluated 2024-12-23.

Conditions:
MCM2-related disorder. Also called: MCM2-related condition.

Allele frequency attached by ClinVar (database versions not stated): gnomAD exomes 0.00010 and 0.00030; ExAC 0.00035; ESP Exome Variant Server 0.00077; gnomAD 0.00108; TOPMed 0.00136; 1000 Genomes Project 30x 0.00156; 1000 Genomes Project 0.00160.
gnomAD v4.1: 306 of 1,614,102 alleles (0.019%); highest among the groups gnomAD compares: African/African-American, 0.35%; 1 homozygote.

Submissions (4):

Labcorp Genetics (formerly Invitae), Labcorp
Classification: Benign. Last evaluated: 2024-12-23. Review status: criteria provided, single submitter. Criteria: Invitae Variant Classification Sherloc (09022015). Collection method: clinical testing. Allele origin: germline.

Blueprint Genetics
Classification: Likely benign. Last evaluated: 2024-07-18. Review status: criteria provided, single submitter. Criteria: ACMG Guidelines, 2015. Collection method: clinical testing. Allele origin: germline.

GeneDx
Classification: Likely benign. Last evaluated: 2020-04-15. Review status: criteria provided, single submitter. Criteria: GeneDx Variant Classification Process June 2021. Collection method: clinical testing. Allele origin: germline. Affected: yes.

PreventionGenetics, part of Exact Sciences
Classification: Likely benign for MCM2-related condition. Last evaluated: 2019-09-17. Review status: no assertion criteria provided. Collection method: clinical testing. Allele origin: germline. Not counted in ClinVar's aggregate classification.
Comment: This variant is classified as likely benign based on ACMG/AMP sequence variant interpretation guidelines (Richards et al. 2015 PMID: 25741868, with internal and published modifications).

NM_004526.4(MCM2):c.1404C>G (p.Ser468=)

Gene: MCM2 (minichromosome maintenance complex component 2; plus strand). Cytogenetic location: 3q21.3.
Variant type: single nucleotide variant.
Coding change: c.1404C>G on transcript NM_004526.4 (MANE Select); coding-DNA position 1404, C replaced by G.
Protein change: p.Ser468=; no amino-acid change (serine 468 retained).
Molecular consequence: synonymous variant. On other transcripts: non-coding transcript variant (1).
Genome position (GRCh38, 1-based): chr3:127,608,999, C>G. VCF-style: chr3-127608999-C-G. GRCh37 (hg19) VCF-style: chr3-127327842-C-G.
Identifiers: ClinVar variation 514697 (VCV000514697.12), dbSNP rs140620010, ClinGen allele CA2595873.